The following is an entry in ClinVar:

NM_031443.4(CCM2):c.69del (p.Gly24fs)

Gene: CCM2 (CCM2 scaffold protein; plus strand). Cytogenetic location: 7p13.
Variant type: Deletion.
Coding change: c.69del on transcript NM_031443.4 (MANE Select); coding-DNA position 69, one base deleted (A; older notation c.69delA).
Protein change: p.Gly24fs; shifts the reading frame from glycine 24.
Molecular consequence: frameshift variant. On other transcripts: non-coding transcript variant (1), intron variant (2).
Genome position (GRCh38, 1-based): chr7:45,038,291, A deleted; the last of 4 consecutive A bases (chr7:45,038,288-45,038,291); deleting any one gives the same sequence. VCF-style (leftmost placement, unchanged base first): chr7-45038287-TA-T. GRCh37 (hg19) VCF-style: chr7-45077886-TA-T.
Other names: c.132del, p.Gly45fs (NM_001029835.2); c.69del, p.Gly24fs (NM_001167935.2, NM_001363458.2); c.31-25627del (NM_001363459.2, NM_001167934.2); short protein forms G24fs, G45fs.
Identifiers: ClinVar variation 4992034 (VCV004992034.1).

ClinVar aggregate classification (germline): Likely pathogenic (1 of 4 stars; one submission).

Conditions:
CCM2-related disorder. Also called: CCM2-related condition.

Submission:

PreventionGenetics, part of Exact Sciences
Classification: Likely pathogenic for CCM2-related condition. Last evaluated: 2026-02-24. Review status: criteria provided, single submitter. Criteria: ACMG Guidelines, 2015. Collection method: clinical testing. Allele origin: germline.
Comment: The CCM2 c.69delA variant is predicted to result in a frameshift and premature protein termination (p.Gly24Valfs*13). To our knowledge, this variant has not been reported in the literature or in a large population database (gnomAD), indicating this variant is rare. Frameshift variants in CCM2 are expected to be pathogenic. This variant is interpreted as likely pathogenic.